The following is an entry in ClinVar:

NM_003664.5(AP3B1):c.2603C>T (p.Thr868Met)

Gene: AP3B1 (adaptor related protein complex 3 subunit beta 1; minus strand). Cytogenetic location: 5q14.1.
Variant type: single nucleotide variant.
Coding change: c.2603C>T on transcript NM_003664.5 (MANE Select); coding-DNA position 2603, C replaced by T.
Protein change: p.Thr868Met; replaces threonine 868 with methionine.
Molecular consequence: missense variant.
Genome position (GRCh38, 1-based): chr5:78,039,249, G>A on the plus strand (C>T on the coding strand, the complement: AP3B1 is on the minus strand). VCF-style: chr5-78039249-G-A. GRCh37 (hg19) VCF-style: chr5-77335073-G-A.
Other names: c.2456C>T, p.Thr819Met (NM_001271769.2); short protein forms T819M, T868M.
Identifiers: ClinVar variation 943306 (VCV000943306.7), dbSNP rs1398038084, ClinGen allele CA360332288.

ClinVar aggregate classification (germline): Uncertain significance (1 of 4 stars; one submission).

Conditions:
Hermansky-Pudlak syndrome 2 (HPS2). Also called: Platelet defects and oculocutaneous albinism. Identifiers: Orphanet 183678, Orphanet 79430, MedGen C1842362, MONDO:0011997, OMIM 608233.

Allele frequency attached by ClinVar (database versions not stated): TOPMed 0.00001.

Submission:

Labcorp Genetics (formerly Invitae), Labcorp
Classification: Uncertain significance for Hermansky-Pudlak syndrome 2. Last evaluated: 2021-09-01. Review status: criteria provided, single submitter. Criteria: Invitae Variant Classification Sherloc (09022015). Collection method: clinical testing. Allele origin: germline.
Comment: This sequence change replaces threonine with methionine at codon 868 of the AP3B1 protein (p.Thr868Met). The threonine residue is weakly conserved and there is a moderate physicochemical difference between threonine and methionine. This variant is not present in population databases (ExAC no frequency). This variant has not been reported in the literature in individuals affected with AP3B1-related conditions. Algorithms developed to predict the effect of missense changes on protein structure and function output the following: SIFT: "Tolerated"; PolyPhen-2: "Possibly Damaging"; Align-GVGD: "Class C0". The methionine amino acid residue is found in multiple mammalian species, which suggests that this missense change does not adversely affect protein function. In summary, the available evidence is currently insufficient to determine the role of this variant in disease. Therefore, it has been classified as a Variant of Uncertain Significance.